The following is an entry in ClinVar:

ClinVar aggregate classification (germline): Likely pathogenic (1 of 4 stars; one submission).

Conditions:
Myofibrillar myopathy 5. Also called: FILAMINOPATHY, AUTOSOMAL DOMINANT; Filaminopathy (type). Identifiers: Orphanet 171445, MedGen C1836050, MONDO:0012289, OMIM 609524.
Distal myopathy with posterior leg and anterior hand involvement. Also called: WILLIAMS DISTAL MYOPATHY. Identifiers: Orphanet 63273, MedGen C3279722, MONDO:0013550, OMIM 614065.
Hypertrophic cardiomyopathy 26. Also called: Cardiomyopathy, familial hypertrophic, 26. Identifiers: Orphanet 75249, MedGen C4310749, MONDO:0014883, OMIM 617047.

Allele frequency attached by ClinVar (database versions not stated): TOPMed below 0.00001.

Submission:

Labcorp Genetics (formerly Invitae), Labcorp
Classification: Likely pathogenic for Distal myopathy with posterior leg and anterior hand involvement; Myofibrillar myopathy 5; Hypertrophic cardiomyopathy 26. Last evaluated: 2024-08-28. Review status: criteria provided, single submitter. Criteria: Invitae Variant Classification Sherloc (09022015). Collection method: clinical testing. Allele origin: germline.
Comment: This sequence change affects a splice site in intron 23 of the FLNC gene. It is expected to disrupt RNA splicing. Variants that disrupt the donor or acceptor splice site typically lead to a loss of protein function (PMID: 16199547), and loss-of-function variants in FLNC are known to be pathogenic (PMID: 27908349). This variant is not present in population databases (gnomAD no frequency). This variant has not been reported in the literature in individuals affected with FLNC-related conditions. ClinVar contains an entry for this variant (Variation ID: 849949). Algorithms developed to predict the effect of sequence changes on RNA splicing suggest that this variant may disrupt the consensus splice site. In summary, the currently available evidence indicates that the variant is pathogenic, but additional data are needed to prove that conclusively. Therefore, this variant has been classified as Likely Pathogenic.

Literature cited by the submitters: PubMed 16199547; PubMed 27908349.

NM_001458.5(FLNC):c.4128-2_4128-1del

Gene: FLNC (filamin C; plus strand). Cytogenetic location: 7q32.1.
Variant type: Deletion.
Coding change: c.4128-2_4128-1del on transcript NM_001458.5 (MANE Select); the canonical splice acceptor site of the intron before coding-DNA position 4128, 2 bases deleted (AG; older notation c.4128-2_4128-1delAG).
Molecular consequence: splice acceptor variant.
Genome position (GRCh38, 1-based): chr7:128,846,743-128,846,744, AG deleted. VCF-style (leftmost placement, unchanged base first): chr7-128846742-CAG-C. GRCh37 (hg19) VCF-style: chr7-128486796-CAG-C.
Other names: c.4128-2_4128-1del (NM_001127487.2).
Identifiers: ClinVar variation 849949 (VCV000849949.8), dbSNP rs1808585056, ClinGen allele CA916082326.